The following is an entry in ClinVar:

ClinVar aggregate classification (germline): Uncertain significance (1 of 4 stars; one submission).

Submission:

GeneDx
Classification: Uncertain significance. Last evaluated: 2026-03-20. Review status: criteria provided, single submitter. Criteria: GeneDx Variant Classification Process June 2021. Collection method: clinical testing. Allele origin: germline.
Comment: Not observed at significant frequency in large population cohorts (gnomAD); Frameshift variant predicted to result in protein truncation or nonsense mediated decay in a gene for which loss of function is not an established mechanism of disease; Has not been previously published as pathogenic or benign to our knowledge

NM_004522.3(KIF5C):c.2230del (p.Leu744fs)

Gene: KIF5C (kinesin family member 5C; plus strand). Cytogenetic location: 2q23.2.
Variant type: Deletion.
Coding change: c.2230del on transcript NM_004522.3 (MANE Select); coding-DNA position 2230, one base deleted (C; older notation c.2230delC).
Protein change: p.Leu744fs; shifts the reading frame from leucine 744.
Molecular consequence: frameshift variant. On other transcripts: non-coding transcript variant (1).
Genome position (GRCh38, 1-based): chr2:149,000,442, C deleted. VCF-style (leftmost placement, unchanged base first): chr2-149000441-AC-A. GRCh37 (hg19) VCF-style: chr2-149856955-AC-A.
Other names: short protein forms L744fs.
Identifiers: ClinVar variation 3903375 (VCV003903375.2).